The following is an entry in ClinVar:

ClinVar aggregate classification (germline): Uncertain significance (1 of 4 stars; one submission).

Conditions:
Symmetrical dyschromatosis of extremities (DSH). Also called: RETICULATE ACROPIGMENTATION OF DOHI; SYMMETRIC DYSCHROMATOSIS OF THE EXTREMITIES; DYSCHROMATOSIS SYMMETRICA HEREDITARIA 1; Dyschromatosis symmetrica hereditaria. Identifiers: Orphanet 41, MedGen C0406775, MONDO:0007483, OMIM 127400.
Aicardi-Goutieres syndrome 6 (AGS6). Identifiers: Orphanet 51, MedGen C3539013, MONDO:0014007, OMIM 615010.

Allele frequency attached by ClinVar (database versions not stated): TOPMed below 0.00001; gnomAD 0.00001.
gnomAD v4.1: 1 of 1,614,012 alleles (0.000062%); highest among the groups gnomAD compares: Non-Finnish European, 0.000085%; no homozygotes.

Submission:

Labcorp Genetics (formerly Invitae), Labcorp
Classification: Uncertain significance for Aicardi-Goutieres syndrome 6; Symmetrical dyschromatosis of extremities. Last evaluated: 2025-08-20. Review status: criteria provided, single submitter. Criteria: Invitae Variant Classification Sherloc (09022015). Collection method: clinical testing. Allele origin: germline.
Comment: This sequence change replaces proline, which is neutral and non-polar, with serine, which is neutral and polar, at codon 615 of the ADAR protein (p.Pro615Ser). This variant is not present in population databases (gnomAD no frequency). This variant has not been reported in the literature in individuals affected with ADAR-related conditions. ClinVar contains an entry for this variant (Variation ID: 1396049). An algorithm developed to predict the effect of missense changes on protein structure and function outputs the following: PolyPhen-2: "Possibly Damaging". The serine amino acid residue is found in multiple mammalian species, which suggests that this missense change does not adversely affect protein function. In summary, the available evidence is currently insufficient to determine the role of this variant in disease. Therefore, it has been classified as a Variant of Uncertain Significance.

NM_001111.5(ADAR):c.1843C>T (p.Pro615Ser)

Gene: ADAR (adenosine deaminase RNA specific; minus strand). Cytogenetic location: 1q21.3.
Variant type: single nucleotide variant.
Coding change: c.1843C>T on transcript NM_001111.5 (MANE Select); coding-DNA position 1843, C replaced by T.
Protein change: p.Pro615Ser; replaces proline 615 with serine.
Molecular consequence: missense variant.
Genome position (GRCh38, 1-based): chr1:154,597,919, G>A on the plus strand (C>T on the coding strand, the complement: ADAR is on the minus strand). VCF-style: chr1-154597919-G-A. GRCh37 (hg19) VCF-style: chr1-154570395-G-A.
Other names: c.958C>T, p.Pro320Ser (NM_001365048.1, NM_001365049.1, NM_001025107.3 and 3 more transcripts); c.1843C>T, p.Pro615Ser (NM_015840.4, NM_015841.4); c.1870C>T, p.Pro624Ser (NM_001365045.1); short protein forms P624S, P320S, P615S.
Identifiers: ClinVar variation 1396049 (VCV001396049.8), dbSNP rs1179154225, ClinGen allele CA342638823.